The following is an entry in ClinVar:

ClinVar aggregate classification (germline): Pathogenic/Likely pathogenic. Review status: criteria provided, multiple submitters, no conflicts (2 of 4 stars). 3 submissions from 3 submitters: Pathogenic (2); Likely pathogenic (1). Last evaluated 2025-01-15.

Conditions:
PEPD-related disorder. Also called: PEPD-related condition.
Prolidase deficiency. Identifiers: Orphanet 742, MedGen C0268532, MONDO:0008221, OMIM 170100.

Allele frequency attached by ClinVar (database versions not stated): ExAC 0.00006.

Submissions (3):

Labcorp Genetics (formerly Invitae), Labcorp
Classification: Pathogenic. Last evaluated: 2025-01-15. Review status: criteria provided, single submitter. Criteria: Invitae Variant Classification Sherloc (09022015). Collection method: clinical testing. Allele origin: germline.
Comment: This sequence change affects the initiator methionine of the PEPD mRNA. The next in-frame methionine is located at codon 108. This variant is present in population databases (rs764650519, gnomAD 0.003%). This variant has not been reported in the literature in individuals affected with PEPD-related conditions. ClinVar contains an entry for this variant (Variation ID: 1299535). This variant disrupts a region of the PEPD protein in which other variant(s) (p.Arg27Trp) have been determined to be pathogenic (internal data). This suggests that this is a clinically significant region of the protein, and that variants that disrupt it are likely to be disease-causing. For these reasons, this variant has been classified as Pathogenic.

Laboratory of Medical Genetics, National & Kapodistrian University of Athens
Classification: Pathogenic for Prolidase deficiency. Last evaluated: 2021-08-10. Review status: criteria provided, single submitter. Criteria: ACMG Guidelines, 2015. Collection method: clinical testing. Allele origin: paternal. Affected: yes.
Comment: PVS1, PM2, PP3

Blueprint Genetics
Classification: Likely pathogenic for PEPD-related disorders. Last evaluated: 2019-09-30. Review status: criteria provided, single submitter. Criteria: ACMG Guidelines, 2015. Collection method: clinical testing. Allele origin: germline. Affected: yes. Observed: 2 variant alleles.

NM_000285.4(PEPD):c.2T>G (p.Met1Arg)

Gene: PEPD (peptidase D; minus strand). Cytogenetic location: 19q13.11.
Variant type: single nucleotide variant.
Coding change: c.2T>G on transcript NM_000285.4 (MANE Select); coding-DNA position 2, T replaced by G.
Protein change: p.Met1Arg; changes the start codon (methionine 1).
Molecular consequence: missense variant, initiator codon variant.
Genome position (GRCh38, 1-based): chr19:33,521,759, A>C on the plus strand (T>G on the coding strand, the complement: PEPD is on the minus strand). VCF-style: chr19-33521759-A-C. GRCh37 (hg19) VCF-style: chr19-34012665-A-C.
Other names: c.2T>G, p.Met1Arg (NM_001166056.2, NM_001166057.2); short protein forms M1R.
Identifiers: ClinVar variation 1299535 (VCV001299535.5), dbSNP rs764650519, ClinGen allele CA9364555.
Genomic context (GRCh38, chr19:33,521,759, plus strand): 5'-CCTCTCCACGCCAGCGGGAAAGAGCGAGGGAGGCGCAGCACTCACCCGGTGGCCGCCGCC[A>C]TGTTCGCCCGGCACCGGCGTCACGTGAAGTGCGGCGTCAGCTGAGCCCCTCCGGGTGCCA-3'
Protein context (NP_000276.2, residues 1-11): [Met1Arg]AAATGPSFWL